The following is an entry in ClinVar:

ClinVar aggregate classification (germline): Benign/Likely benign. Review status: criteria provided, multiple submitters, no conflicts (2 of 4 stars). 3 submissions from 3 submitters: Benign (2); Likely benign (1). Last evaluated 2026-01-19.

Conditions:
Emery-Dreifuss muscular dystrophy 5, autosomal dominant (EDMD5). Also called: EMERY-DREIFUSS MUSCULAR DYSTROPHY 5. Identifiers: Orphanet 261, MedGen C2751805, MONDO:0013072, OMIM 612999.

Allele frequency attached by ClinVar (database versions not stated): gnomAD exomes 0.00018 and 0.00051; ExAC 0.00061; 1000 Genomes Project 30x 0.00141; 1000 Genomes Project 0.00160; gnomAD 0.00194 and 0.00207; ESP Exome Variant Server 0.00203; TOPMed 0.00208.
gnomAD v4.1: 576 of 1,613,970 alleles (0.036%); highest among the groups gnomAD compares: African/African-American, 0.65%; 3 homozygotes.

Submissions (3):

Labcorp Genetics (formerly Invitae), Labcorp
Classification: Benign for Emery-Dreifuss muscular dystrophy 5, autosomal dominant. Last evaluated: 2026-01-19. Review status: criteria provided, single submitter. Criteria: Invitae Variant Classification Sherloc (09022015). Collection method: clinical testing. Allele origin: germline.

Athena Diagnostics
Classification: Benign. Last evaluated: 2025-02-24. Review status: criteria provided, single submitter. Criteria: Athena Diagnostics Criteria. Collection method: clinical testing. Allele origin: unknown.
Comment: The frequency of this variant in the general population is higher than would generally be expected for pathogenic variants in this gene. Computational tools yielded predictions that this variant is unlikely to have an effect on normal RNA splicing. This nucleotide position exhibits low evolutionary conservation.

Eurofins Ntd Llc (ga)
Classification: Likely benign. Last evaluated: 2015-07-22. Review status: criteria provided, single submitter. Criteria: EGL Classification Definitions 2015. Collection method: clinical testing. Allele origin: germline. Observed: 1 variant allele, 1 heterozygote.

NM_182914.3(SYNE2):c.5395T>C (p.Leu1799=)

Gene: SYNE2 (spectrin repeat containing nuclear envelope protein 2; plus strand). Cytogenetic location: 14q23.2.
Variant type: single nucleotide variant.
Coding change: c.5395T>C on transcript NM_182914.3 (MANE Select); coding-DNA position 5395, T replaced by C.
Protein change: p.Leu1799=; no amino-acid change (leucine 1799 retained).
Molecular consequence: synonymous variant.
Genome position (GRCh38, 1-based): chr14:64,021,899, T>C. VCF-style: chr14-64021899-T-C. GRCh37 (hg19) VCF-style: chr14-64488617-T-C.
Other names: c.5395T>C, p.Leu1799= (NM_015180.6).
Identifiers: ClinVar variation 282118 (VCV000282118.16), dbSNP rs186427714, ClinGen allele CA7220454.